The following is an entry in ClinVar:

NM_017636.4(TRPM4):c.2975A>G (p.Asn992Ser)

Gene: TRPM4 (transient receptor potential cation channel subfamily M member 4; plus strand). Cytogenetic location: 19q13.33.
Variant type: single nucleotide variant.
Coding change: c.2975A>G on transcript NM_017636.4 (MANE Select); coding-DNA position 2975, A replaced by G.
Protein change: p.Asn992Ser; replaces asparagine 992 with serine.
Molecular consequence: missense variant.
Genome position (GRCh38, 1-based): chr19:49,201,985, A>G. VCF-style: chr19-49201985-A-G. GRCh37 (hg19) VCF-style: chr19-49705242-A-G.
Other names: c.2540A>G, p.Asn847Ser (NM_001195227.2); c.2630A>G, p.Asn877Ser (NM_001321281.2); c.1367A>G, p.Asn456Ser (NM_001321282.2); c.2453A>G, p.Asn818Ser (NM_001321283.2); c.1913A>G, p.Asn638Ser (NM_001321285.2); short protein forms N456S, N638S, N818S, N847S, N877S, N992S.
Identifiers: ClinVar variation 3227020 (VCV003227020.1), dbSNP rs1968950540, ClinGen allele CA406812569.

ClinVar aggregate classification (germline): Uncertain significance (1 of 4 stars; one submission).

Conditions:
Cardiovascular phenotype. Identifiers: MedGen CN230736.

Submission:

Ambry Genetics
Classification: Uncertain significance for Cardiovascular phenotype. Last evaluated: 2023-12-10. Review status: criteria provided, single submitter. Criteria: Ambry Variant Classification Scheme 2023. Collection method: clinical testing. Allele origin: germline.
Comment: The p.N992S variant (also known as c.2975A>G), located in coding exon 20 of the TRPM4 gene, results from an A to G substitution at nucleotide position 2975. The asparagine at codon 992 is replaced by serine, an amino acid with highly similar properties. This amino acid position is conserved. In addition, this alteration is predicted to be tolerated by in silico analysis. Since supporting evidence is limited at this time, the clinical significance of this alteration remains unclear.